The following is an entry in ClinVar:

NM_018706.7(DHTKD1):c.1648C>T (p.His550Tyr)

Gene: DHTKD1 (dehydrogenase E1 and transketolase domain containing 1; plus strand). Cytogenetic location: 10p14.
Variant type: single nucleotide variant.
Coding change: c.1648C>T on transcript NM_018706.7 (MANE Select); coding-DNA position 1648, C replaced by T.
Protein change: p.His550Tyr; replaces histidine 550 with tyrosine.
Molecular consequence: missense variant.
Genome position (GRCh38, 1-based): chr10:12,097,973, C>T. VCF-style: chr10-12097973-C-T. GRCh37 (hg19) VCF-style: chr10-12139972-C-T.
Other names: short protein forms H550Y.
Identifiers: ClinVar variation 3623772 (VCV003623772.2).

ClinVar aggregate classification (germline): Uncertain significance (1 of 4 stars; one submission).

Conditions:
2-aminoadipic 2-oxoadipic aciduria (AAKAD). Also called: Aminoadipic aciduria; ALPHA-AMINOADIPIC AND ALPHA-KETOADIPIC ACIDURIA. Identifiers: Orphanet 79154, MedGen C1859817, MONDO:0008774, OMIM 204750.

gnomAD v4.1: 5 of 1,611,696 alleles (0.00031%); highest among the groups gnomAD compares: South Asian, 0.0022%; no homozygotes.

Submission:

Labcorp Genetics (formerly Invitae), Labcorp
Classification: Uncertain significance for 2-aminoadipic 2-oxoadipic aciduria. Last evaluated: 2024-07-03. Review status: criteria provided, single submitter. Criteria: Invitae Variant Classification Sherloc (09022015). Collection method: clinical testing. Allele origin: germline.
Comment: This sequence change replaces histidine, which is basic and polar, with tyrosine, which is neutral and polar, at codon 550 of the DHTKD1 protein (p.His550Tyr). This variant is not present in population databases (gnomAD no frequency). This variant has not been reported in the literature in individuals affected with DHTKD1-related conditions. Advanced modeling of protein sequence and biophysical properties (such as structural, functional, and spatial information, amino acid conservation, physicochemical variation, residue mobility, and thermodynamic stability) performed at Invitae indicates that this missense variant is expected to disrupt DHTKD1 protein function with a positive predictive value of 80%. In summary, the available evidence is currently insufficient to determine the role of this variant in disease. Therefore, it has been classified as a Variant of Uncertain Significance.